The following is an entry in ClinVar:

ClinVar aggregate classification (germline): Conflicting classifications of pathogenicity. Review status: criteria provided, conflicting classifications (1 of 4 stars). 4 submissions from 4 submitters: Uncertain significance (3); Likely benign (1). Last evaluated 2026-01-26.

Conditions:
Hereditary breast ovarian cancer syndrome. Also called: Hereditary breast and ovarian cancer syndrome; Hereditary breast and ovarian cancer; Hereditary breast and ovarian cancer syndrome (HBOC); Breast and ovarian cancer; Hereditary breast and/or ovarian cancer syndrome; BRCA1- and BRCA2-Associated Hereditary Breast and Ovarian Cancer. Identifiers: Orphanet 145, MedGen C0677776, MeSH D061325, MONDO:0003582. Disease mechanism: loss of function.
Hereditary cancer-predisposing syndrome. Also called: Neoplastic Syndromes, Hereditary; Tumor predisposition; Hereditary Cancer Syndrome; Hereditary neoplastic syndrome. Identifiers: Orphanet 140162, MedGen C0027672, MeSH D009386, MONDO:0015356.

Allele frequency attached by ClinVar (database versions not stated): gnomAD exomes below 0.00001; ExAC 0.00001.
gnomAD v4.1: 2 of 1,605,652 alleles (0.00012%); highest among the groups gnomAD compares: Non-Finnish European, 0.00017%; no homozygotes.

Submissions (4):

Labcorp Genetics (formerly Invitae), Labcorp
Classification: Uncertain significance for Hereditary breast ovarian cancer syndrome. Last evaluated: 2026-01-26. Review status: criteria provided, single submitter. Criteria: Invitae Variant Classification Sherloc (09022015). Collection method: clinical testing. Allele origin: germline.
Comment: This sequence change replaces leucine, which is neutral and non-polar, with methionine, which is neutral and non-polar, at codon 1384 of the BRCA2 protein (p.Leu1384Met). This variant is present in population databases (rs779408742, gnomAD 0.0009%). This variant has not been reported in the literature in individuals affected with BRCA2-related conditions. ClinVar contains an entry for this variant (Variation ID: 481568). Invitae Evidence Modeling of protein sequence and biophysical properties (such as structural, functional, and spatial information, amino acid conservation, physicochemical variation, residue mobility, and thermodynamic stability) indicates that this missense variant is not expected to disrupt BRCA2 protein function with a negative predictive value of 95%. In summary, the available evidence is currently insufficient to determine the role of this variant in disease. Therefore, it has been classified as a Variant of Uncertain Significance.

Ambry Genetics
Classification: Uncertain significance for Hereditary cancer-predisposing syndrome. Last evaluated: 2024-09-09. Review status: criteria provided, single submitter. Criteria: Ambry Variant Classification Scheme 2023. Collection method: clinical testing. Allele origin: germline.
Comment: The p.L1384M variant (also known as c.4150T>A), located in coding exon 10 of the BRCA2 gene, results from a T to A substitution at nucleotide position 4150. The leucine at codon 1384 is replaced by methionine, an amino acid with highly similar properties. This amino acid position is not well conserved in available vertebrate species. In addition, this alteration is predicted to be tolerated by in silico analysis. Since supporting evidence is limited at this time, the clinical significance of this alteration remains unclear.

University of Washington Department of Laboratory Medicine, University of Washington
Classification: Likely benign for Hereditary cancer-predisposing syndrome. Last evaluated: 2023-03-23. Review status: criteria provided, single submitter. Criteria: Dines et al. (Genet Med. 2020). Collection method: curation. Allele origin: germline.
Comment: Missense variant in a coldspot region where missense variants are very unlikely to be pathogenic (PMID:31911673).

BRCA2 exon 11 coldspot. Reclassification based on statistical prior probability.

Color Diagnostics, LLC DBA Color Health
Classification: Uncertain significance for Hereditary cancer-predisposing syndrome. Last evaluated: 2021-07-28. Review status: criteria provided, single submitter. Criteria: ACMG Guidelines, 2015. Collection method: clinical testing. Allele origin: germline.
Comment: This missense variant replaces leucine with methionine at codon 1384 of the BRCA2 protein. Computational prediction suggests that this variant may not impact protein structure and function (internally defined REVEL score threshold <= 0.5, PMID: 27666373). To our knowledge, functional studies have not been reported for this variant. This variant has not been reported in individuals affected with hereditary cancer in the literature. This variant has been identified in 1/241538 chromosomes in the general population by the Genome Aggregation Database (gnomAD). The available evidence is insufficient to determine the role of this variant in disease conclusively. Therefore, this variant is classified as a Variant of Uncertain Significance.

NM_000059.4(BRCA2):c.4150T>A (p.Leu1384Met)

Gene: BRCA2 (BRCA2 DNA repair associated; plus strand). Cytogenetic location: 13q13.1.
Variant type: single nucleotide variant.
Coding change: c.4150T>A on transcript NM_000059.4 (MANE Select); coding-DNA position 4150, T replaced by A.
Protein change: p.Leu1384Met; replaces leucine 1384 with methionine.
Molecular consequence: missense variant.
Genome position (GRCh38, 1-based): chr13:32,338,505, T>A. VCF-style: chr13-32338505-T-A. GRCh37 (hg19) VCF-style: chr13-32912642-T-A.
Other names: short protein forms L1384M.
Identifiers: ClinVar variation 481568 (VCV000481568.19), dbSNP rs779408742, ClinGen allele CA6940755.
Genomic context (GRCh38, chr13:32,338,505, plus strand): 5'-ATATGTCTTAAATTATCTGGCCAGTTTATGAAGGAGGGAAACACTCAGATTAAAGAAGAT[T>A]TGTCAGATTTAACTTTTTTGGAAGTTGCGAAAGCTCAAGAAGCATGTCATGGTAATACTT-3'
Protein context (NP_000050.3, residues 1374-1394): KEGNTQIKED[Leu1384Met]SDLTFLEVAK